The following is an entry in ClinVar:

NM_019098.5(CNGB3):c.1662+2T>C

Gene: CNGB3 (cyclic nucleotide gated channel subunit beta 3; minus strand). Cytogenetic location: 8q21.3.
Variant type: single nucleotide variant.
Coding change: c.1662+2T>C on transcript NM_019098.5 (MANE Select); the canonical splice donor site of the intron after coding-DNA position 1662, T replaced by C.
Molecular consequence: splice donor variant.
Genome position (GRCh38, 1-based): chr8:86,611,586, A>G on the plus strand (T>C on the coding strand, the complement: CNGB3 is on the minus strand). VCF-style: chr8-86611586-A-G. GRCh37 (hg19) VCF-style: chr8-87623814-A-G.
Identifiers: ClinVar variation 2103948 (VCV002103948.5), dbSNP rs779134560, ClinGen allele CA371438464.

ClinVar aggregate classification (germline): Likely pathogenic. Review status: criteria provided, multiple submitters, no conflicts (2 of 4 stars). 2 submissions from 2 submitters: Likely pathogenic (2). Last evaluated 2024-05-06.

Conditions:
Achromatopsia 3 (ACHM3). Also called: ACHROMATOPSIA WITH MYOPIA; ROD MONOCHROMACY 1; ROD MONOCHROMATISM 1; PINGELAPESE BLINDNESS; TOTAL COLORBLINDNESS WITH MYOPIA. Identifiers: Orphanet 49382, MedGen C1849792, MONDO:0009875, OMIM 262300.

Submissions (2):

Fulgent Genetics
Classification: Likely pathogenic for Achromatopsia 3. Last evaluated: 2024-05-06. Review status: criteria provided, single submitter. Criteria: ACMG Guidelines, 2015. Collection method: clinical testing. Allele origin: germline.

Labcorp Genetics (formerly Invitae), Labcorp
Classification: Likely pathogenic. Last evaluated: 2022-02-27. Review status: criteria provided, single submitter. Criteria: Invitae Variant Classification Sherloc (09022015). Collection method: clinical testing. Allele origin: germline.
Comment: In summary, the currently available evidence indicates that the variant is pathogenic, but additional data are needed to prove that conclusively. Therefore, this variant has been classified as Likely Pathogenic. Algorithms developed to predict the effect of sequence changes on RNA splicing suggest that this variant may disrupt the consensus splice site. This variant has not been reported in the literature in individuals affected with CNGB3-related conditions. This variant is not present in population databases (gnomAD no frequency). This sequence change affects a donor splice site in intron 14 of the CNGB3 gene. It is expected to disrupt RNA splicing. Variants that disrupt the donor or acceptor splice site typically lead to a loss of protein function (PMID: 16199547), and loss-of-function variants in CNGB3 are known to be pathogenic (PMID: 28795510).

Literature cited by the submitters: PubMed 16199547 (cited by Labcorp Genetics (formerly Invitae), Labcorp); PubMed 28795510 (cited by Labcorp Genetics (formerly Invitae), Labcorp).